The following is an entry in ClinVar:

ClinVar aggregate classification (germline): Likely benign (1 of 4 stars; one submission).

Allele frequency attached by ClinVar (database versions not stated): TOPMed 0.00022; gnomAD 0.00025; ExAC 0.00031; ESP Exome Variant Server 0.00031.
gnomAD v4.1: 454 of 1,614,206 alleles (0.028%); highest among the groups gnomAD compares: Middle Eastern, 0.15%; 1 homozygote.

Submission:

CeGaT Center for Human Genetics Tuebingen
Classification: Likely benign. Last evaluated: 2022-09-01. Review status: criteria provided, single submitter. Criteria: CeGaT Center For Human Genetics Tuebingen Variant Classification Criteria Version 2. Collection method: clinical testing. Allele origin: germline. Affected: yes. Observed: 1 variant allele.
Comment: CORO2A: BP4, BP7

NM_052820.4(CORO2A):c.135C>T (p.Pro45=)

Gene: CORO2A (coronin 2A; minus strand). Cytogenetic location: 9q22.33.
Variant type: single nucleotide variant.
Coding change: c.135C>T on transcript NM_052820.4 (MANE Select); coding-DNA position 135, C replaced by T.
Protein change: p.Pro45=; no amino-acid change (proline 45 retained).
Molecular consequence: synonymous variant.
Genome position (GRCh38, 1-based): chr9:98,157,526, G>A on the plus strand (C>T on the coding strand, the complement: CORO2A is on the minus strand). VCF-style: chr9-98157526-G-A. GRCh37 (hg19) VCF-style: chr9-100919808-G-A.
Other names: c.135C>T, p.Pro45= (NM_003389.3).
Identifiers: ClinVar variation 2659344 (VCV002659344.24), dbSNP rs137868323, ClinGen allele CA5151414.
Genomic context (GRCh38, chr9:98,157,526, plus strand): 5'-CAGGGGGATGACGAGGAAGGCCCCTCCACCAGCACACTCAGTCACAACTGCAATGAAGTG[G>A]GGGTTCACGGCACAGAAGTGGTTGTCGTGAACGCTGCGGGTGATAGGCACGGAGTCGTAG-3'
Protein context (NP_438171.1, residues 35-55): VHDNHFCAVN[Pro45=]HFIAVVTECA